The following is an entry in ClinVar:

ClinVar aggregate classification (germline): Likely pathogenic (1 of 4 stars; one submission).

Conditions:
Microcephaly, normal intelligence and immunodeficiency (NBS). Also called: BERLIN BREAKAGE SYNDROME; SEEMANOVA SYNDROME II; Immunodeficiency, microcephaly with normal intelligence; Ataxia telangiectasia variant V1; Nijmegen breakage syndrome; IMMUNODEFICIENCY, MICROCEPHALY, AND CHROMOSOMAL INSTABILITY. Identifiers: Orphanet 647, MedGen C0398791, MONDO:0009623, OMIM 251260.

Submission:

Labcorp Genetics (formerly Invitae), Labcorp
Classification: Likely pathogenic for Microcephaly, normal intelligence and immunodeficiency. Last evaluated: 2021-10-18. Review status: criteria provided, single submitter. Criteria: Invitae Variant Classification Sherloc (09022015). Collection method: clinical testing. Allele origin: germline.
Comment: This sequence change affects a donor splice site in intron 13 of the NBN gene. It is expected to disrupt RNA splicing. Variants that disrupt the donor or acceptor splice site typically lead to a loss of protein function (PMID: 16199547), and loss-of-function variants in NBN are known to be pathogenic (PMID: 9590180, 16415040). In summary, the currently available evidence indicates that the variant is pathogenic, but additional data are needed to prove that conclusively. Therefore, this variant has been classified as Likely Pathogenic. Algorithms developed to predict the effect of sequence changes on RNA splicing suggest that this variant may disrupt the consensus splice site. This variant has not been reported in the literature in individuals affected with NBN-related conditions. This variant is not present in population databases (ExAC no frequency).

Literature cited by the submitters: PubMed 16199547; PubMed 9590180; PubMed 16415040.

NM_002485.5(NBN):c.2070+2T>A

Gene: NBN (nibrin; minus strand). Cytogenetic location: 8q21.3.
Variant type: single nucleotide variant.
Coding change: c.2070+2T>A on transcript NM_002485.5 (MANE Select); the canonical splice donor site of the intron after coding-DNA position 2070, T replaced by A.
Molecular consequence: splice donor variant.
Genome position (GRCh38, 1-based): chr8:89,946,138, A>T on the plus strand (T>A on the coding strand, the complement: NBN is on the minus strand). VCF-style: chr8-89946138-A-T. GRCh37 (hg19) VCF-style: chr8-90958366-A-T.
Other names: c.1824+2T>A (NM_001024688.3).
Identifiers: ClinVar variation 1497365 (VCV001497365.6), dbSNP rs786203223, ClinGen allele CA371676308.
Genomic context (GRCh38, chr8:89,946,138, plus strand): 5'-TCACTGGTATCTCTAAAAACATTTCAAACACTGACCTCTTGTGATACAGTTGAAATACCT[A>T]CCTTTTTGAATTTCTTGAAATTTTTTAGTTGACCATAATCATCATTTATGCCAGATGGAT-3'